The following is an entry in ClinVar:

NM_001614.5(ACTG1):c.733G>A (p.Gly245Ser)

Gene: ACTG1 (actin gamma 1; minus strand). Cytogenetic location: 17q25.3.
Variant type: single nucleotide variant.
Coding change: c.733G>A on transcript NM_001614.5 (MANE Select); coding-DNA position 733, G replaced by A.
Protein change: p.Gly245Ser; replaces glycine 245 with serine.
Molecular consequence: missense variant. On other transcripts: non-coding transcript variant (1).
Genome position (GRCh38, 1-based): chr17:81,511,257, C>T on the plus strand (G>A on the coding strand, the complement: ACTG1 is on the minus strand). VCF-style: chr17-81511257-C-T. GRCh37 (hg19) VCF-style: chr17-79478283-C-T.
Other names: c.733G>A, p.Gly245Ser (NM_001199954.3); short protein forms G245S.
Identifiers: ClinVar variation 3253091 (VCV003253091.1), dbSNP rs2544388144.

ClinVar aggregate classification (germline): Uncertain significance (1 of 4 stars; one submission).

Submission:

GeneDx
Classification: Uncertain significance. Last evaluated: 2024-05-30. Review status: criteria provided, single submitter. Criteria: GeneDx Variant Classification Process June 2021. Collection method: clinical testing. Allele origin: germline. Affected: yes.
Comment: Not observed in large population cohorts (gnomAD); Missense variants in this gene are often considered pathogenic (HGMD); In silico analysis supports that this missense variant has a deleterious effect on protein structure/function; Has not been previously published as pathogenic or benign to our knowledge